The following is an entry in ClinVar:

ClinVar aggregate classification (germline): Conflicting classifications of pathogenicity. Review status: criteria provided, conflicting classifications (1 of 4 stars). 6 submissions from 6 submitters: Uncertain significance (1); Benign (3); Likely benign (1). 1 of the submissions does not count toward it. Last evaluated 2025-09-20.

Conditions:
Familial juvenile hyperuricemic nephropathy type 1 (ADTKD1). Also called: UMOD-Associated Kidney Disease; Uromodulin-associated kidney disease; Autosomal Dominant Tubulointerstitial Kidney Disease – UMOD; Glomerulocystic kidney disease with hyperuricemia and isosthenuria; Medullary cystic kidney disease 2. Identifiers: Orphanet 209886, Orphanet 34149, Orphanet 88950, MedGen C4551496, MONDO:0008073, OMIM 162000.
UMOD-related disorder. Also called: UMOD-related condition.
Kidney disorder. Also called: renal disease; Kidney disease; Kidney Diseases; renal disorder; Nephropathy. Identifiers: MedGen C0022658, MONDO:0005240, HP:0000112.

Allele frequency attached by ClinVar (database versions not stated): gnomAD 0.00014 and 0.00017; TOPMed 0.00015; 1000 Genomes Project 30x 0.00016; 1000 Genomes Project 0.00020; gnomAD exomes 0.00036 and 0.00039; ExAC 0.00043.
gnomAD v4.1: 554 of 1,612,826 alleles (0.034%); highest among the groups gnomAD compares: South Asian, 0.29%; 4 homozygotes.

Submissions (6):

Labcorp Genetics (formerly Invitae), Labcorp
Classification: Benign. Last evaluated: 2025-09-20. Review status: criteria provided, single submitter. Criteria: Invitae Variant Classification Sherloc (09022015). Collection method: clinical testing. Allele origin: germline.

Blueprint Genetics
Classification: Likely benign. Last evaluated: 2024-11-22. Review status: criteria provided, single submitter. Criteria: ACMG Guidelines, 2015. Collection method: clinical testing. Allele origin: germline.

Fulgent Genetics
Classification: Benign for Familial juvenile hyperuricemic nephropathy type 1. Last evaluated: 2021-08-03. Review status: criteria provided, single submitter. Criteria: ACMG Guidelines, 2015. Collection method: clinical testing. Allele origin: unknown.

Genome Diagnostics Laboratory, The Hospital for Sick Children
Classification: Uncertain significance for Kidney disorder. Last evaluated: 2018-07-01. Review status: criteria provided, single submitter. Criteria: ACMG Guidelines, 2015. Collection method: clinical testing. Allele origin: germline.

Illumina Laboratory Services, Illumina
Classification: Benign for UMOD-Associated Kidney Disease. Last evaluated: 2018-01-13. Review status: criteria provided, single submitter. Criteria: ICSL Variant Classification Criteria 13 December 2019. Collection method: clinical testing. Allele origin: germline.
Comment: This variant was observed in the ICSL laboratory as part of a predisposition screen in an ostensibly healthy population. It had not been previously curated by ICSL or reported in the Human Gene Mutation Database (HGMD: prior to June 1st, 2018), and was therefore a candidate for classification through an automated scoring system. Utilizing variant allele frequency, disease prevalence and penetrance estimates, and inheritance mode, an automated score was calculated to assess if this variant is too frequent to cause the disease. Based on the score and internal cut-off values, a variant classified as benign is not then subjected to further curation. The score for this variant resulted in a classification of benign for this disease.

PreventionGenetics, part of Exact Sciences
Classification: Likely benign for UMOD-related condition. Last evaluated: 2020-05-08. Review status: no assertion criteria provided. Collection method: clinical testing. Allele origin: germline. Not counted in ClinVar's aggregate classification.
Comment: This variant is classified as likely benign based on ACMG/AMP sequence variant interpretation guidelines (Richards et al. 2015 PMID: 25741868, with internal and published modifications).

NM_003361.4(UMOD):c.973+7C>T

Gene: UMOD (uromodulin; minus strand). Cytogenetic location: 16p12.3.
Variant type: single nucleotide variant.
Coding change: c.973+7C>T on transcript NM_003361.4 (MANE Select); 7 bases into the intron after coding-DNA position 973, C replaced by T.
Molecular consequence: intron variant.
Genome position (GRCh38, 1-based): chr16:20,348,216, G>A on the plus strand (C>T on the coding strand, the complement: UMOD is on the minus strand). VCF-style: chr16-20348216-G-A. GRCh37 (hg19) VCF-style: chr16-20359538-G-A.
Other names: c.973+7C>T (NM_001008389.3, NM_001378234.1, NM_001378235.1 and 3 more transcripts); c.1072+7C>T (NM_001278614.2).
Identifiers: ClinVar variation 885510 (VCV000885510.21), dbSNP rs557659943, ClinGen allele CA7939348.